The following is an entry in ClinVar:

NM_014339.7(IL17RA):c.*320A>G

Gene: IL17RA (interleukin 17 receptor A; plus strand). Cytogenetic location: 22q11.1.
Variant type: single nucleotide variant.
Coding change: c.*320A>G on transcript NM_014339.7 (MANE Select); 320 bases downstream of the stop codon, A replaced by G.
Molecular consequence: 3 prime UTR variant.
Genome position (GRCh38, 1-based): chr22:17,110,140, A>G. VCF-style: chr22-17110140-A-G. GRCh37 (hg19) VCF-style: chr22-17591030-A-G.
Other names: c.*320A>G (NM_001289905.2).
Identifiers: ClinVar variation 895213 (VCV000895213.4), dbSNP rs577387326, ClinGen allele CA321155269.

ClinVar aggregate classification (germline): Likely benign (1 of 4 stars; one submission).

Conditions:
Immunodeficiency 51 (IMD51). Also called: CANDIDIASIS, FAMILIAL, 5. Identifiers: Orphanet 1334, MedGen C4310803, MONDO:0013500, OMIM 613953.

Allele frequency attached by ClinVar (database versions not stated): gnomAD exomes 0.00007; gnomAD 0.00014 and 0.00015; TOPMed 0.00025; 1000 Genomes Project 0.00080; 1000 Genomes Project 30x 0.00094.
gnomAD v4.1: 44 of 399,178 alleles (0.011%); highest among the groups gnomAD compares: Middle Eastern, 0.16%; no homozygotes.

Submission:

Illumina Laboratory Services, Illumina
Classification: Likely benign for Immunodeficiency 51. Last evaluated: 2018-01-13. Review status: criteria provided, single submitter. Criteria: ICSL Variant Classification Criteria 13 December 2019. Collection method: clinical testing. Allele origin: germline.
Comment: This variant was observed in the ICSL laboratory as part of a predisposition screen in an ostensibly healthy population. It had not been previously curated by ICSL or reported in the Human Gene Mutation Database (HGMD: prior to June 1st, 2018), and was therefore a candidate for classification through an automated scoring system. Utilizing variant allele frequency, disease prevalence and penetrance estimates, and inheritance mode, an automated score was calculated to assess if this variant is too frequent to cause the disease. Based on the score and internal cut-off values, a variant classified as likely benign is not then subjected to further curation. The score for this variant resulted in a classification of likely benign for this disease.